The following is an entry in ClinVar:

ClinVar aggregate classification (germline): Likely benign (1 of 4 stars; one submission).

gnomAD v4.1: 5 of 1,551,150 alleles (0.00032%); highest among the groups gnomAD compares: Non-Finnish European, 0.00035%; no homozygotes.

Submission:

CeGaT Center for Human Genetics Tuebingen
Classification: Likely benign. Last evaluated: 2024-10-01. Review status: criteria provided, single submitter. Criteria: CeGaT Center For Human Genetics Tuebingen Variant Classification Criteria Version 2. Collection method: clinical testing. Allele origin: germline. Affected: yes. Observed: 1 variant allele.
Comment: RIN2: BP4, BP7

NM_018993.4(RIN2):c.-10G>A

Gene: RIN2 (Ras and Rab interactor 2; plus strand). Cytogenetic location: 20p11.23.
Variant type: single nucleotide variant.
Coding change: c.-10G>A on transcript NM_018993.4 (MANE Select); 10 bases upstream of the start codon, G replaced by A.
Molecular consequence: 5 prime UTR variant. On other transcripts: synonymous variant (1).
Genome position (GRCh38, 1-based): chr20:19,889,592, G>A. VCF-style: chr20-19889592-G-A. GRCh37 (hg19) VCF-style: chr20-19870236-G-A.
Other names: c.138G>A, p.Ser46= (NM_001242581.2); c.-555G>A (NM_001378238.1).
Identifiers: ClinVar variation 3389013 (VCV003389013.14).
Genomic context (GRCh38, chr20:19,889,592, plus strand): 5'-CTGGACTAACCATTAAAAATGTCTCTACCTTCAGGAGTCCCCGGCGTGCAGTGGAGCCTC[G>A]CTGGGGGAAATGACAGCTTGGACCATGGGCGCCCGCGGTCTGGACAAGCGAGGAAGTTTC-3'